The following is an entry in ClinVar:

NC_000018.9:g.(?_77477515)_(77513790_?)dup

Gene: CTDP1 (CTD phosphatase subunit 1; plus strand). Cytogenetic location: 18q23.
Variant type: Duplication.
Identifiers: ClinVar variation 2425208 (VCV002425208.4).

ClinVar aggregate classification (germline): Uncertain significance (1 of 4 stars; one submission).

Submission:

Labcorp Genetics (formerly Invitae), Labcorp
Classification: Uncertain significance. Last evaluated: 2022-04-18. Review status: criteria provided, single submitter. Criteria: Invitae Variant Classification Sherloc (09022015). Collection method: clinical testing. Allele origin: germline.
Comment: This variant results in a copy number gain of the genomic region encompassing exon(s) 9-13 of the CTDP1 gene. This region includes the termination codon of the gene. This copy number gain extends beyond the assayed region for this gene and therefore may encompass additional genes. As the precise location of this event is unknown, it may be in tandem or it may be located elsewhere in the genome. This variant has not been reported in the literature in individuals affected with CTDP1-related conditions. Experimental studies and prediction algorithms are not available or were not evaluated, and the functional significance of this variant is currently unknown. In summary, the available evidence is currently insufficient to determine the role of this variant in disease. Therefore, it has been classified as a Variant of Uncertain Significance.